The following is an entry in ClinVar:

ClinVar aggregate classification (germline): Benign (1 of 4 stars; one submission).

Conditions:
Von Hippel-Lindau syndrome (VHLS). Also called: Von Hippel-Lindau; VHL syndrome; von Hippel–Lindau syndrome. Identifiers: Orphanet 892, MedGen C0019562, MONDO:0008667, OMIM 193300. Disease mechanism: loss of function.

Allele frequency attached by ClinVar (database versions not stated): gnomAD exomes 0.00089; gnomAD 0.00603 and 0.00645; TOPMed 0.00706; 1000 Genomes Project 0.00759; 1000 Genomes Project 30x 0.00828.

Submission:

Illumina Laboratory Services, Illumina
Classification: Benign for Von Hippel-Lindau syndrome. Last evaluated: 2018-01-13. Review status: criteria provided, single submitter. Criteria: ICSL Variant Classification Criteria 13 December 2019. Collection method: clinical testing. Allele origin: germline.
Comment: This variant was observed in the ICSL laboratory as part of a predisposition screen in an ostensibly healthy population. It had not been previously curated by ICSL or reported in the Human Gene Mutation Database (HGMD: prior to June 1st, 2018), and was therefore a candidate for classification through an automated scoring system. Utilizing variant allele frequency, disease prevalence and penetrance estimates, and inheritance mode, an automated score was calculated to assess if this variant is too frequent to cause the disease. Based on the score and internal cut-off values, a variant classified as benign is not then subjected to further curation. The score for this variant resulted in a classification of benign for this disease.

NM_000551.4(VHL):c.*1787G>A

Genes: VHL (von Hippel-Lindau tumor suppressor; plus strand), LOC107303340 (3p25 von Hippel-Lindau tumor suppressor, E3 ubiquitin protein ligase Alu-mediated recombination region; plus strand). Cytogenetic location: 3p25.3.
Variant type: single nucleotide variant.
Coding change: c.*1787G>A on transcript NM_000551.4 (MANE Select); 1787 bases downstream of the stop codon, G replaced by A.
Molecular consequence: 3 prime UTR variant.
Genome position (GRCh38, 1-based): chr3:10,151,752, G>A. VCF-style: chr3-10151752-G-A. GRCh37 (hg19) VCF-style: chr3-10193436-G-A.
Other names: c.*1983G>A (NM_001354723.2); c.*1787G>A (NM_198156.3).
Identifiers: ClinVar variation 899555 (VCV000899555.4), dbSNP rs115303528, ClinGen allele CA70053986.
Genomic context (GRCh38, chr3:10,151,752, plus strand): 5'-TAATTAATGTTTGTGGGTATTTCTTGGCATGCATCTTTAATTCCTTATCCTAGCCTTTGG[G>A]CACAATTCCTGTGCTCAAAAATGAGAGTGACGGCTGGCATGGTGGCTCCCGCCTGTAATC-3'